The following is an entry in ClinVar:

ClinVar aggregate classification (germline): Likely benign (1 of 4 stars; one submission).

Allele frequency attached by ClinVar (database versions not stated): 1000 Genomes Project 0.00020; 1000 Genomes Project 30x 0.00047; ESP Exome Variant Server 0.00146; gnomAD 0.00163; gnomAD exomes 0.00163; ExAC 0.00177.
gnomAD v4.1: 2,641 of 1,612,262 alleles (0.16%); highest among the groups gnomAD compares: Non-Finnish European, 0.19%; 10 homozygotes.

Submission:

CeGaT Center for Human Genetics Tuebingen
Classification: Likely benign. Last evaluated: 2024-06-01. Review status: criteria provided, single submitter. Criteria: CeGaT Center For Human Genetics Tuebingen Variant Classification Criteria Version 2. Collection method: clinical testing. Allele origin: germline. Affected: yes. Observed: 1 variant allele.
Comment: MSH5: BP4, BS2

NM_172166.4(MSH5):c.1496-5C>A

Genes: MSH5 (mutS homolog 5; plus strand), MSH5-SAPCD1 (MSH5-SAPCD1 readthrough (NMD candidate); plus strand). Cytogenetic location: 6p21.33.
Variant type: single nucleotide variant.
Coding change: c.1496-5C>A on transcript NM_172166.4 (MANE Select); 5 bases into the intron before coding-DNA position 1496, C replaced by A.
Molecular consequence: intron variant.
Genome position (GRCh38, 1-based): chr6:31,759,781, C>A. VCF-style: chr6-31759781-C-A. GRCh37 (hg19) VCF-style: chr6-31727558-C-A.
Other names: c.1496-5C>A (NM_002441.5, NM_172165.4); c.1547-5C>A (NM_025259.6).
Identifiers: ClinVar variation 3250499 (VCV003250499.18), dbSNP rs184719070.